The following continues an entry in ClinVar:

NM_032043.3(BRIP1):c.415T>G (p.Ser139Ala)

Gene: BRIP1. ClinVar aggregate classification (germline): Uncertain significance. Uncertain significance (22).

Submissions 7 to 26 of 26:

Ambry Genetics
Classification: Uncertain significance for Hereditary cancer-predisposing syndrome. Last evaluated: 2025-06-16. Review status: criteria provided, single submitter. Criteria: Ambry Variant Classification Scheme 2023. Collection method: clinical testing. Allele origin: germline.
Comment: The p.S139A variant (also known as c.415T>G), located in coding exon 4 of the BRIP1 gene, results from a T to G substitution at nucleotide position 415. The serine at codon 139 is replaced by alanine, an amino acid with similar properties. This variant has been reported in patients with breast cancer in several studies (Gu&eacute;nard F et al. J. Hum. Genet. 2008 Apr;53:579-91; Laraqui A et al. J Genomics, 2021 Sep;9:43-54; Li J et al. J. Med. Genet. 2016 Jan;53:34-42; Easton DF et al. J. Med. Genet. 2016 May;53:298-309; Tsaousis GN et al. BMC Cancer. 2019 Jun;19:535). However, this variant was reported in 5/60,466 breast cancer cases and in 3/53,461 controls (Dorling et al. N Engl J Med. 2021 02;384:428-439). Additionally, in a study of ovarian cancer patients, this variant was not seen in 3236 cases but was observed in 1/3431 controls (Ramus SJ et al. J. Natl. Cancer Inst. 2015 Nov;107). This amino acid position is highly conserved in available vertebrate species. In addition, the in silico prediction for this alteration is tolerated. Since supporting evidence is limited at this time, the clinical significance of this alteration remains unclear.

Blueprint Genetics
Classification: Uncertain significance. Last evaluated: 2024-11-23. Review status: criteria provided, single submitter. Criteria: ACMG Guidelines, 2015. Collection method: clinical testing. Allele origin: germline.

German Consortium for Hereditary Breast and Ovarian Cancer, University Hospital Cologne
Classification: Uncertain significance for Hereditary breast ovarian cancer syndrome. Last evaluated: 2024-11-11. Review status: criteria provided, single submitter. Criteria: ACMG Guidelines, 2015. Collection method: curation. Allele origin: germline.
Comment: According to the ACMG SVI adaptation criteria we chose this criterion: BP4 (supporting benign): REVEL = 0,126 (und damit zwischen (0.016, 0.183] )

Molecular Pathology, Peter Maccallum Cancer Centre
Classification: Uncertain significance for Familial ovarian cancer. Last evaluated: 2024-08-26. Review status: criteria provided, single submitter. Criteria: ACMG Guidelines, 2015. Collection method: clinical testing. Allele origin: germline. Inheritance: Autosomal dominant inheritance.

Color Diagnostics, LLC DBA Color Health
Classification: Uncertain significance for Hereditary cancer-predisposing syndrome. Last evaluated: 2024-04-09. Review status: criteria provided, single submitter. Criteria: ACMG Guidelines, 2015. Collection method: clinical testing. Allele origin: germline.
Comment: This missense variant replaces serine with alanine at codon 139 of the BRIP1 protein. Computational prediction suggests that this variant may not impact protein structure and function. To our knowledge, functional studies have not been reported for this variant. This variant has been reported in individuals affected with breast cancer (PMID: 18414782, 26534844, 26921362, 33471991, 34646395, 38136308; DOI: 10.1101/2023.07.03.23290133) and colorectal cancer (PMID:28135145). It has also been observed in individuals from control groups (PMID: 26315354, 33471991). This variant has been identified in 12/282614 chromosomes in the general population by the Genome Aggregation Database (gnomAD). The available evidence is insufficient to determine the role of this variant in disease conclusively. Therefore, this variant is classified as a Variant of Uncertain Significance.

Baylor Genetics
Classification: Uncertain significance for Familial cancer of breast. Last evaluated: 2024-01-18. Review status: criteria provided, single submitter. Criteria: ACMG Guidelines, 2015. Collection method: clinical testing. Allele origin: unknown.

Fulgent Genetics
Classification: Uncertain significance for Familial cancer of breast; Fanconi anemia complementation group J. Last evaluated: 2024-01-15. Review status: criteria provided, single submitter. Criteria: ACMG Guidelines, 2015. Collection method: clinical testing. Allele origin: germline.

GeneDx
Classification: Uncertain significance. Last evaluated: 2023-11-21. Review status: criteria provided, single submitter. Criteria: GeneDx Variant Classification Process June 2021. Collection method: clinical testing. Allele origin: germline. Affected: yes.
Comment: Observed in individuals with breast cancer and in an individual with colorectal cancer, but also observed in a healthy control (PMID: 18414782, 26689913, 26315354, 26921362, 26534844, 28135145, 30262796, 31822495, 34646395); In silico analysis supports that this missense variant does not alter protein structure/function; This variant is associated with the following publications: (PMID: 18414782, 26315354, 26534844, 26689913, 26921362, 28135145, 19197335, 30262796, 31159747, 31822495, 33471991, 34646395, 35451682)

KCCC/NGS Laboratory, Kuwait Cancer Control Center
Classification: Uncertain significance for Familial cancer of breast. Last evaluated: 2023-07-04. Review status: criteria provided, single submitter. Criteria: ACMG Guidelines, 2015. Collection method: clinical testing. Allele origin: unknown. Inheritance: Autosomal dominant inheritance. Affected: yes. Observed: 1 heterozygote.
Comment: This sequence change replaces serine, which is neutral and polar, with alanine, which is neutral and non-polar, at codon 139 of the BRIP1 protein (p.Ser139Ala). This variant is present in population databases (rs202072866, gnomAD 0.008%). This amino acid position is not highly conserved (PhyloP=5.5 ). This missense change has been observed in individual(s) with breast cancer and/or colorectal cancer (PMID: 18414782, 26534844, 26921362, 28135145, 30262796). ClinVar contains an entry for this variant (Variation ID: 132712). Algorithms developed to predict the effect of missense changes on protein structure and function are either unavailable or do not agree on the potential impact of this missense change (SIFT: "Tolerated"; PolyPhen-2: "Possibly Damaging"). In summary, the available evidence is currently insufficient to determine the role of this variant in disease. Therefore, it has been classified as a Variant of Uncertain Significance.

Myriad Genetics, Inc.
Classification: Uncertain significance for Familial cancer of breast. Last evaluated: 2023-03-02. Review status: criteria provided, single submitter. Criteria: Myriad Autosomal Dominant, Autosomal Recessive and X-Linked Classification Criteria (2023). Collection method: clinical testing. Allele origin: unknown.
Comment: This variant is classified as a variant of uncertain significance as there is insufficient evidence to determine its impact on protein function and/or cancer risk.

St. Jude Molecular Pathology, St. Jude Children's Research Hospital
Classification: Uncertain significance for Familial cancer of breast. Last evaluated: 2022-08-30. Review status: criteria provided, single submitter. Criteria: St. Jude Assertion Criteria 2020. Collection method: clinical testing. Allele origin: germline.
Comment: The BRIP1 c.415T>G (p.Ser139Ala) missense change has a maximum subpopulation frequency of 0.0078% in gnomAD v2.1.1. The in silico tool REVEL predicts a benign effect on protein function, but to our knowledge this prediction has not been confirmed by functional studies. This variant has been reported in individuals with a personal and/or family history of breast and/or ovarian cancer (PMID: 26534844, 31159747, 34646395). To our knowledge, this variant has not been reported in individuals with Fanconi anemia. In summary, the evidence currently available is insufficient to determine the role of this variant in disease. It has therefore been classified as of uncertain significance.

Institute for Clinical Genetics, University Hospital TU Dresden, University Hospital TU Dresden
Classification: Uncertain significance. Last evaluated: 2021-11-03. Review status: criteria provided, single submitter. Criteria: ACMG Guidelines, 2015. Collection method: clinical testing. Allele origin: germline.

Sema4
Classification: Uncertain significance for Hereditary cancer-predisposing syndrome. Last evaluated: 2021-05-24. Review status: criteria provided, single submitter. Criteria: Sema4 Curation Guidelines. Collection method: curation. Allele origin: germline.
Comment: The BRIP1 c.415T>G (p.S139A) variant has been reported in individuals with breast, ovarian, and colorectal cancer (PMID: 31159747, 30262796, 28135145, 26534844, 18414782), and in one unaffected individual in a control cohort (PMID 26315354). This variant was observed in 10/129024 chromosomes of the Non-Finnish European population of the Genome Aggregation Database (PMID: 32461654). This variant has been reported in ClinVar (Variation ID: 132712). In silico tools suggest the impact of the variant on protein function is inconclusive, though these predictions have not been confirmed by functional studies. The evidence is insufficient to meet ACMG/AMP criteria for classifying the variant as benign or pathogenic. Thus, the clinical significance of this variant is currently uncertain.

Mendelics
Classification: Uncertain significance for Familial cancer of breast. Last evaluated: 2019-05-28. Review status: criteria provided, single submitter. Criteria: Mendelics Assertion Criteria 2017. Collection method: clinical testing. Allele origin: unknown.

GeneKor MSA
Classification: Uncertain significance for Hereditary cancer-predisposing syndrome. Last evaluated: 2018-08-01. Review status: criteria provided, single submitter. Criteria: ACMG Guidelines, 2015. Collection method: clinical testing. Allele origin: germline. Affected: yes.

Illumina Laboratory Services, Illumina
Classification: Uncertain significance for Fanconi anemia complementation group J. Last evaluated: 2017-04-28. Review status: criteria provided, single submitter. Criteria: ICSL Variant Classification Criteria 13 December 2019. Collection method: clinical testing. Allele origin: germline.

Counsyl
Classification: Uncertain significance for Fanconi anemia complementation group J. Last evaluated: 2016-09-13. Review status: no assertion criteria provided. Collection method: clinical testing. Allele origin: unknown. Not counted in ClinVar's aggregate classification.

Counsyl
Classification: Uncertain significance for Ovarian cancer. Last evaluated: 2016-09-13. Review status: no assertion criteria provided. Collection method: clinical testing. Allele origin: unknown. Not counted in ClinVar's aggregate classification.

Department of Pathology and Laboratory Medicine, Sinai Health System
Classification: Uncertain significance for Malignant tumor of breast. Review status: no assertion criteria provided. Collection method: clinical testing. Allele origin: unknown. Affected: yes. Observed: 1 variant allele. Study: The Canadian Open Genetics Repository (COGR). Not counted in ClinVar's aggregate classification.
Comment: The BRIP1 p.Ser139Ala variant was identified in 4 of 34276 proband chromosomes (frequency: 0.0001) from individuals or families with ovarian and breast cancer, and was present in 1 of 17488 control chromosomes (frequency: 0.0001) from healthy individuals (Beltrame 2015, Li 2015, Easton 2016, Guenard 2008, Ramus 2015). The variant was also identified in the following databases: dbSNP (ID: rs202072866) as With Uncertain significance allele, ClinVar (classified as uncertain significance by Invitae, Ambry Genetics, GeneDx, Counsyl, Color Genomics), and Cosmic (classified as pathogenic). The variant was not identified in the MutDB database or Zhejiang Colon Cancer Database. The variant was identified in control databases in 12 of 276988 chromosomes at a frequency of 0.00004 (Genome Aggregation Database Feb 27, 2017). Breakdown of the observations by population include Other in 1 of 6462 chromosomes (freq: 0.0002), Latino in 1 of 34404 chromosomes (freq: 0.00003), European Non-Finnish in 10 of 126542 chromosomes (freq: 0.0001), while the variant was not observed in the African, Ashkenazi Jewish, East Asian, European Finnish, or South Asian populations. The p.Ser139 residue is conserved in mammals and computational analyses (PolyPhen-2, SIFT, AlignGVGD, BLOSUM, MutationTaster) provide inconsistent predictions regarding the impact to the protein; this information is not very predictive of pathogenicity. The variant occurs outside of the splicing consensus sequence and 3 of 5 in silico or computational prediction software programs (SpliceSiteFinder, MaxEntScan, NNSPLICE, GeneSplicer, HumanSpliceFinder) predict a greater than 10% difference in splicing. However, this information is not predictive enough to assume pathogenicity. In summary, based on the above information, the clinical significance of this variant cannot be determined with certainty at this time. This variant is classified as a variant of uncertain significance.

Dr. Peter K. Rogan Lab, Western University
No classification provided (evidence only). Condition: Ovarian serous cystadenocarcinoma. Review status: no classification provided. Collection method: in vitro. Allele origin: not applicable. Functional consequence: retained intron. Not counted in ClinVar's aggregate classification.

Literature cited by the submitters: PubMed 18414782 (cited by 6 submitters); PubMed 26534844 (cited by 7 submitters); PubMed 26921362 (cited by 5 submitters); PubMed 28135145 (cited by 5 submitters); PubMed 30262796 (cited by 5 submitters); PubMed 34646395 (cited by 4 submitters); PubMed 35534704 (cited by Labcorp Genetics (formerly Invitae), Labcorp and Quest Diagnostics Nichols Institute San Juan Capistrano); PubMed 19197335 (cited by Women's Health and Genetics/Laboratory Corporation of America, LabCorp); PubMed 26315354 (cited by 6 submitters); PubMed 31159747 (cited by 3 submitters); PubMed 33471991 (cited by 4 submitters); PubMed 38136308 (cited by Quest Diagnostics Nichols Institute San Juan Capistrano and Color Diagnostics, LLC DBA Color Health).